The following is an entry in ClinVar:

ClinVar aggregate classification (germline): Uncertain significance. Review status: criteria provided, multiple submitters, no conflicts (2 of 4 stars). 2 submissions from 2 submitters: Uncertain significance (2). Last evaluated 2025-08-17.

Conditions:
Hereditary cancer-predisposing syndrome. Also called: Tumor predisposition; Neoplastic Syndromes, Hereditary; Hereditary neoplastic syndrome; Hereditary Cancer Syndrome. Identifiers: Orphanet 140162, MedGen C0027672, MeSH D009386, MONDO:0015356.
Familial thoracic aortic aneurysm and aortic dissection (TAAD). Also called: Thoracic aortic aneurysms and dissections. Identifiers: Orphanet 91387, MedGen C4707243, MONDO:0019625.

gnomAD v4.1: 1 of 1,614,184 alleles (0.000062%); highest among the groups gnomAD compares: Non-Finnish European, 0.000085%; no homozygotes.

Submissions (2):

Color Diagnostics, LLC DBA Color Health
Classification: Uncertain significance for Hereditary cancer-predisposing syndrome. Last evaluated: 2025-08-17. Review status: criteria provided, single submitter. Criteria: ACMG Guidelines, 2015. Collection method: clinical testing. Allele origin: germline.
Comment: This missense variant replaces alanine with proline at codon 241 of the SMAD4 protein. Computational prediction suggests that this variant may not impact protein structure and function. To our knowledge, functional studies have not been reported for this variant. This variant has not been reported in individuals affected with SMAD4-related disorders in the literature. This variant has not been identified in the general population by the Genome Aggregation Database (gnomAD). The available evidence is insufficient to determine the role of this variant in disease conclusively. Therefore, this variant is classified as a Variant of Uncertain Significance.

Ambry Genetics
Classification: Uncertain significance for Hereditary cancer-predisposing syndrome; Familial thoracic aortic aneurysm and aortic dissection. Last evaluated: 2024-07-01. Review status: criteria provided, single submitter. Criteria: Ambry Variant Classification Scheme 2023. Collection method: clinical testing. Allele origin: germline.
Comment: The p.A241P variant (also known as c.721G>C), located in coding exon 5 of the SMAD4 gene, results from a G to C substitution at nucleotide position 721. The alanine at codon 241 is replaced by proline, an amino acid with highly similar properties. This amino acid position is conserved. In addition, this alteration is predicted to be deleterious by in silico analysis. Based on the available evidence, the clinical significance of this variant remains unclear.

NM_005359.6(SMAD4):c.721G>C (p.Ala241Pro)

Gene: SMAD4 (SMAD family member 4; plus strand). Cytogenetic location: 18q21.2.
Variant type: single nucleotide variant.
Coding change: c.721G>C on transcript NM_005359.6 (MANE Select); coding-DNA position 721, G replaced by C.
Protein change: p.Ala241Pro; replaces alanine 241 with proline.
Molecular consequence: missense variant. On other transcripts: non-coding transcript variant (2).
Genome position (GRCh38, 1-based): chr18:51,058,178, G>C. VCF-style: chr18-51058178-G-C. GRCh37 (hg19) VCF-style: chr18-48584548-G-C.
Other names: c.721G>C, p.Ala241Pro (NM_001407041.1, NM_001407042.1, NM_001407043.1); short protein forms A241P.
Identifiers: ClinVar variation 3445839 (VCV003445839.2).